The following is an entry in ClinVar:

NM_025074.7(FRAS1):c.4176T>A (p.Asp1392Glu)

Gene: FRAS1 (Fraser extracellular matrix complex subunit 1; plus strand). Cytogenetic location: 4q21.21.
Variant type: single nucleotide variant.
Coding change: c.4176T>A on transcript NM_025074.7 (MANE Select); coding-DNA position 4176, T replaced by A.
Protein change: p.Asp1392Glu; replaces aspartic acid 1392 with glutamic acid.
Molecular consequence: missense variant.
Genome position (GRCh38, 1-based): chr4:78,407,709, T>A. VCF-style: chr4-78407709-T-A. GRCh37 (hg19) VCF-style: chr4-79328863-T-A.
Other names: c.4176T>A, p.Asp1392Glu (NM_001166133.2); short protein forms D1392E.
Identifiers: ClinVar variation 4871534 (VCV004871534.1).

ClinVar aggregate classification (germline): Uncertain significance (1 of 4 stars; one submission).

Conditions:
Inborn genetic diseases. Identifiers: MedGen C0950123, MeSH D030342.

gnomAD v4.1: 29 of 1,613,508 alleles (0.0018%); highest among the groups gnomAD compares: Non-Finnish European, 0.0022%; no homozygotes.

Submission:

Ambry Genetics
Classification: Uncertain significance for Inborn genetic diseases. Last evaluated: 2026-05-20. Review status: criteria provided, single submitter. Criteria: Ambry Variant Classification Scheme 2023. Collection method: clinical testing. Allele origin: germline.
Comment: The c.4176T>A (p.D1392E) alteration is located in exon 31 (coding exon 31) of the FRAS1 gene. This alteration results from a T to A substitution at nucleotide position 4176, causing the aspartic acid (D) at amino acid position 1392 to be replaced by a glutamic acid (E). Based on data from gnomAD, the A allele has an overall frequency of <0.001% (1/248668) total alleles studied. The highest observed frequency was 0.001% (1/112634) of European (non-Finnish) alleles. Based on insufficient or conflicting evidence, the clinical significance of this alteration remains unclear.